The following is an entry in ClinVar:

ClinVar aggregate classification (germline): Uncertain significance. Review status: reviewed by expert panel (3 of 4 stars). 7 submissions from 7 submitters: Uncertain significance (1). 6 of the submissions do not count toward it. Last evaluated 2025-08-01.

Conditions:
RYR1-related disorder. Also called: RYR1-related condition; RYR1-related disorders. Identifiers: MedGen CN239331.
Malignant hyperthermia of anesthesia. Also called: Anesthesic-triggered malignant hyperthermia. Identifiers: Orphanet 423, MedGen C0024591, MONDO:0018493, HP:0034733.
Central core myopathy (CMYO1A). Also called: Central core disease; Myopathy, central fibrillar; CONGENITAL MYOPATHY 1A, AUTOSOMAL DOMINANT, WITH SUSCEPTIBILITY TO MALIGNANT HYPERTHERMIA. Identifiers: Orphanet 597, MedGen C5830701, MONDO:0007294, OMIM 117000.
Congenital myopathy with fiber type disproportion. Also called: Congenital fiber-type disproportion myopathy; Congenital fiber-type disproportion. Identifiers: Orphanet 2020, MedGen C0546264, MONDO:0009711. Inheritance: all.

gnomAD v4.1: 1 of 1,614,076 alleles (0.000062%); no homozygotes.

Submissions (7):

ClinGen Malignant Hyperthermia Susceptibility Variant Curation Expert Panel, ClinGen
Classification: Uncertain significance for Malignant hyperthermia of anesthesia. Last evaluated: 2025-08-01. Review status: reviewed by expert panel. Criteria: ClinGen MHS ACMG Specifications V2. Collection method: curation. Allele origin: germline. Inheritance: Autosomal dominant inheritance.
Comment: This pathogenicity assessment is relevant only for malignant hyperthermia susceptibility (MHS) inherited in an autosomal dominant pattern. Variants in RYR1 can also cause other myopathies inherited in an autosomal dominant pattern or in an autosomal recessive pattern. Some of these disorders may predispose individuals to malignant hyperthermia. RYR1 variants may also contribute to a malignant hyperthermia reaction in combination with other genetic and non-genetic factors and the clinician needs to consider such factors in making management decisions. This sequence variant predicts a substitution of glycine with aspartic acid at codon 4638 of the RYR1 protein, p.(Gly4638Asp). This variant was not present in a large population database (gnomAD) at the time this variant was interpreted. This individual did not have an in vitro contracture test (IVCT) or a caffeine halothane contracture test (CHCT) result, PS4 not implemented (PMID: 16732084). No functional studies were identified for this variant. This variant resides in a region of RYR1 considered to be a hotspot for pathogenic variants that contribute to MHS, PM1_Supporting (PMID: 21118704). A REVEL score >0.85 (0.917) supports a pathogenic status for this variant, PP3_Moderate. This variant has been classified as a Variant of Unknown Significance. Criteria implemented: PM1_Supporting, PP3_Moderate.

Labcorp Genetics (formerly Invitae), Labcorp
Classification: Pathogenic for RYR1-related disorder. Last evaluated: 2022-12-31. Review status: criteria provided, single submitter. Criteria: Invitae Variant Classification Sherloc (09022015). Collection method: clinical testing. Allele origin: germline. Not counted in ClinVar's aggregate classification.
Comment: Advanced modeling of protein sequence and biophysical properties (such as structural, functional, and spatial information, amino acid conservation, physicochemical variation, residue mobility, and thermodynamic stability) performed at Invitae indicates that this missense variant is expected to disrupt RYR1 protein function. For these reasons, this variant has been classified as Pathogenic. This variant disrupts the p.Gly4638Ser amino acid residue in RYR1. Other variant(s) that disrupt this residue have been determined to be pathogenic (PMID: 16621918, 23394784). This suggests that this residue is clinically significant, and that variants that disrupt this residue are likely to be disease-causing. ClinVar contains an entry for this variant (Variation ID: 65941). This missense change has been observed in individual(s) with clinical features of autosomal dominant RYR1-related conditions (PMID: 12565913, 14985404, 28357410). This variant is not present in population databases (gnomAD no frequency). This sequence change replaces glycine, which is neutral and non-polar, with aspartic acid, which is acidic and polar, at codon 4638 of the RYR1 protein (p.Gly4638Asp).

Revvity Omics, Revvity
Classification: Likely pathogenic. Last evaluated: 2022-09-28. Review status: criteria provided, single submitter. Criteria: ACMG Guidelines, 2015. Collection method: clinical testing. Allele origin: germline. Not counted in ClinVar's aggregate classification.

Centre for Mendelian Genomics, University Medical Centre Ljubljana
Classification: Likely pathogenic for Congenital myopathy 4A, autosomal dominant. Last evaluated: 2019-01-09. Review status: criteria provided, single submitter. Criteria: ACMG Guidelines, 2015. Collection method: clinical testing. Allele origin: unknown. Affected: yes. Not counted in ClinVar's aggregate classification.
Comment: This variant was classified as: Likely pathogenic. The following ACMG criteria were applied in classifying this variant: PM2,PP2,PP3,PS1,PM6.

PreventionGenetics, part of Exact Sciences
Classification: Pathogenic. Last evaluated: 2013-11-22. Review status: criteria provided, single submitter. Criteria: ACMG Guidelines, 2015. Collection method: clinical testing. Allele origin: germline. Not counted in ClinVar's aggregate classification.

GeneReviews
Classification: Pathogenic for Central Core Disease. Last evaluated: 2010-05-11. Review status: no assertion criteria provided. Collection method: curation. Allele origin: unknown. Not counted in ClinVar's aggregate classification.
ClinVar note: Converted during submission from pathologic to Pathogenic.

RYR1 database
No classification provided. Review status: no classification provided. Collection method: not provided. Allele origin: unknown. Not counted in ClinVar's aggregate classification.

Literature cited by the submitters: PubMed 16621918 (cited by Labcorp Genetics (formerly Invitae), Labcorp); PubMed 23394784 (cited by Labcorp Genetics (formerly Invitae), Labcorp); PubMed 12565913 (cited by Labcorp Genetics (formerly Invitae), Labcorp); PubMed 14985404 (cited by Labcorp Genetics (formerly Invitae), Labcorp); PubMed 28357410 (cited by Labcorp Genetics (formerly Invitae), Labcorp).

NM_000540.3(RYR1):c.13913G>A (p.Gly4638Asp)

Gene: RYR1 (ryanodine receptor 1; plus strand). Cytogenetic location: 19q13.2.
Variant type: single nucleotide variant.
Coding change: c.13913G>A on transcript NM_000540.3 (MANE Select); coding-DNA position 13913, G replaced by A.
Protein change: p.Gly4638Asp; replaces glycine 4638 with aspartic acid.
Molecular consequence: missense variant.
Genome position (GRCh38, 1-based): chr19:38,572,185, G>A. VCF-style: chr19-38572185-G-A. GRCh37 (hg19) VCF-style: chr19-39062825-G-A.
Other names: c.13913G>A (NM_000540.2); c.13898G>A, p.Gly4633Asp (NM_001042723.2); short protein forms G4638D, G4633D.
Identifiers: ClinVar variation 65941 (VCV000065941.16), dbSNP rs118192135, ClinGen allele CA024084.